The following is an entry in ClinVar:

NM_007294.4(BRCA1):c.5193+2230C>G

Gene: BRCA1 (BRCA1 DNA repair associated; minus strand). Cytogenetic location: 17q21.31.
Variant type: single nucleotide variant.
Coding change: c.5193+2230C>G on transcript NM_007294.4 (MANE Select); 2230 bases into the intron after coding-DNA position 5193, C replaced by G.
Molecular consequence: intron variant.
Genome position (GRCh38, 1-based): chr17:43,061,103, G>C on the plus strand (C>G on the coding strand, the complement: BRCA1 is on the minus strand). VCF-style: chr17-43061103-G-C. GRCh37 (hg19) VCF-style: chr17-41213120-G-C.
Other names: IVS 19+2230C>G; c.1767+2230C>G (NM_001408418.1, NM_001408420.1, NM_001408419.1); c.1881+2230C>G (NM_001407981.1, NM_007298.4, NM_001407986.1 and 12 more transcripts); c.1884+2230C>G (NM_001407978.1, NM_001407977.1, NM_001407976.1 and 3 more transcripts); c.5187+2230C>G (NM_001407639.1, NM_001407630.1, NM_001407633.1 and 14 more transcripts); c.5190+2230C>G (NM_001407859.1, NM_001407620.1, NM_001407623.1 and 17 more transcripts); c.5193+2230C>G (NM_001407597.1, NM_001407605.1, NM_001407684.1 and 7 more transcripts); c.5259+2230C>G (NM_001407582.1, NM_001407581.1); and 73 more.
Identifiers: ClinVar variation 209311 (VCV000209311.2), dbSNP rs146299550, ClinGen allele CA276283.

ClinVar aggregate classification (germline): Benign (3 of 4 stars; one submission).

Conditions:
Breast-ovarian cancer, familial, susceptibility to, 1 (BROVCA1). Also called: BRCA1 Hereditary Breast and Ovarian Cancer; OVARIAN CANCER, SUSCEPTIBILITY TO. Identifiers: Orphanet 145, MedGen C2676676, MONDO:0011450, OMIM 604370. Disease mechanism: loss of function.

Allele frequency attached by ClinVar (database versions not stated): gnomAD 0.00040 and 0.00065; TOPMed 0.00088; 1000 Genomes Project 30x 0.00375; 1000 Genomes Project 0.00399.
gnomAD v4.1: 98 of 152,178 alleles (0.064%); highest among the groups gnomAD compares: East Asian, 1.8%; no homozygotes.

Submission:

Evidence-based Network for the Interpretation of Germline Mutant Alleles (ENIGMA)
Classification: Benign for Breast-ovarian cancer, familial 1. Last evaluated: 2015-01-12. Review status: reviewed by expert panel. Criteria: ENIGMA BRCA1/2 Classification Criteria (2015). Collection method: curation. Allele origin: germline.
Comment: Class 1 not pathogenic based on frequency >1% in an outbred sampleset. Frequency 0.01748 (Asian), derived from 1000 genomes (2012-04-30).